The following is an entry in ClinVar:

ClinVar aggregate classification (germline): Uncertain significance. Review status: criteria provided, multiple submitters, no conflicts (2 of 4 stars). 3 submissions from 3 submitters: Uncertain significance (3). Last evaluated 2025-06-26.

Conditions:
Inborn genetic diseases. Identifiers: MedGen C0950123, MeSH D030342.

Allele frequency attached by ClinVar (database versions not stated): gnomAD exomes below 0.00001; TOPMed below 0.00001; gnomAD 0.00001.
gnomAD v4.1: 4 of 1,594,396 alleles (0.00025%); highest among the groups gnomAD compares: African/African-American, 0.004%; no homozygotes.

Submissions (3):

Ambry Genetics
Classification: Uncertain significance for Inborn genetic diseases. Last evaluated: 2025-06-26. Review status: criteria provided, single submitter. Criteria: Ambry Variant Classification Scheme 2023. Collection method: clinical testing. Allele origin: germline.

Labcorp Genetics (formerly Invitae), Labcorp
Classification: Uncertain significance. Last evaluated: 2025-01-20. Review status: criteria provided, single submitter. Criteria: Invitae Variant Classification Sherloc (09022015). Collection method: clinical testing. Allele origin: germline.
Comment: This sequence change replaces isoleucine, which is neutral and non-polar, with methionine, which is neutral and non-polar, at codon 2133 of the MYO7A protein (p.Ile2133Met). This variant is not present in population databases (gnomAD no frequency). This variant has not been reported in the literature in individuals affected with MYO7A-related conditions. ClinVar contains an entry for this variant (Variation ID: 1471914). Invitae Evidence Modeling of protein sequence and biophysical properties (such as structural, functional, and spatial information, amino acid conservation, physicochemical variation, residue mobility, and thermodynamic stability) has been performed for this missense variant. However, the output from this modeling did not meet the statistical confidence thresholds required to predict the impact of this variant on MYO7A protein function. In summary, the available evidence is currently insufficient to determine the role of this variant in disease. Therefore, it has been classified as a Variant of Uncertain Significance.

Blueprint Genetics
Classification: Uncertain significance. Last evaluated: 2018-10-18. Review status: criteria provided, single submitter. Criteria: ACMG Guidelines, 2015. Collection method: clinical testing. Allele origin: germline.

NM_000260.4(MYO7A):c.6399C>G (p.Ile2133Met)

Gene: MYO7A (myosin VIIA; plus strand). Cytogenetic location: 11q13.5.
Variant type: single nucleotide variant.
Coding change: c.6399C>G on transcript NM_000260.4 (MANE Select); coding-DNA position 6399, C replaced by G.
Protein change: p.Ile2133Met; replaces isoleucine 2133 with methionine.
Molecular consequence: missense variant.
Genome position (GRCh38, 1-based): chr11:77,212,996, C>G. VCF-style: chr11-77212996-C-G. GRCh37 (hg19) VCF-style: chr11-76924041-C-G.
Other names: c.6399C>G (NM_000260.3); c.6279C>G, p.Ile2093Met (NM_001127180.2); c.6252C>G, p.Ile2084Met (NM_001369365.1); short protein forms I2084M, I2093M, I2133M.
Identifiers: ClinVar variation 1471914 (VCV001471914.9), dbSNP rs1957974477, ClinGen allele CA381937554.